The following is an entry in ClinVar:

ClinVar aggregate classification (germline): Pathogenic. Review status: criteria provided, multiple submitters, no conflicts (2 of 4 stars). 2 submissions from 2 submitters: Pathogenic (2). Last evaluated 2026-03-30.

Conditions:
Very long chain acyl-CoA dehydrogenase deficiency (ACADVLD). Also called: Very Long-Chain Acyl-Coenzyme A Dehydrogenase Deficiency; VLCAD Deficiency. Identifiers: Orphanet 26793, MedGen C3887523, MONDO:0008723, OMIM 201475.

Submissions (2):

Myriad Genetics, Inc.
Classification: Pathogenic for Very long chain acyl-CoA dehydrogenase deficiency. Last evaluated: 2026-03-30. Review status: criteria provided, single submitter. Criteria: Myriad Autosomal Dominant, Autosomal Recessive and X-Linked Classification Criteria (2023). Collection method: clinical testing. Allele origin: unknown.
Comment: NM_000018.3(ACADVL):c.1155delG(M386Wfs*7) is expected to be pathogenic in the context of very-long-chain acyl-CoA dehydrogenase deficiency. This variant is predicted to lead to an abnormal or absent protein product due to the creation of a premature termination codon in ACADVL, a gene where loss-of-function variants are known to be pathogenic. Please note: this variant was assessed in the context of healthy population screening.

Labcorp Genetics (formerly Invitae), Labcorp
Classification: Pathogenic for Very long chain acyl-CoA dehydrogenase deficiency. Last evaluated: 2023-12-01. Review status: criteria provided, single submitter. Criteria: Invitae Variant Classification Sherloc (09022015). Collection method: clinical testing. Allele origin: germline.
Comment: This sequence change creates a premature translational stop signal (p.Met386Trpfs*7) in the ACADVL gene. It is expected to result in an absent or disrupted protein product. Loss-of-function variants in ACADVL are known to be pathogenic (PMID: 9973285, 11590124). This variant is not present in population databases (gnomAD no frequency). This variant has not been reported in the literature in individuals affected with ACADVL-related conditions. Algorithms developed to predict the effect of sequence changes on RNA splicing suggest that this variant may disrupt the consensus splice site. For these reasons, this variant has been classified as Pathogenic.

Literature cited by the submitters: PubMed 9973285 (cited by Labcorp Genetics (formerly Invitae), Labcorp); PubMed 11590124 (cited by Labcorp Genetics (formerly Invitae), Labcorp).

NM_000018.4(ACADVL):c.1155del (p.Met386fs)

Gene: ACADVL (acyl-CoA dehydrogenase very long chain; plus strand). Cytogenetic location: 17p13.1.
Variant type: Deletion.
Coding change: c.1155del on transcript NM_000018.4 (MANE Select); coding-DNA position 1155, one base deleted (G; older notation c.1155delG).
Protein change: p.Met386fs; shifts the reading frame from methionine 386.
Molecular consequence: frameshift variant.
Genome position (GRCh38, 1-based): chr17:7,223,210, G deleted; the last of 2 consecutive G bases (chr17:7,223,209-7,223,210); deleting either gives the same sequence. VCF-style (leftmost placement, unchanged base first): chr17-7223208-CG-C. GRCh37 (hg19) VCF-style: chr17-7126527-CG-C.
Other names: c.1089del, p.Met364fs (NM_001033859.3); c.1224del, p.Met409fs (NM_001270447.2); c.927del, p.Met310fs (NM_001270448.2); short protein forms M310fs, M364fs, M386fs, M409fs.
Identifiers: ClinVar variation 2700276 (VCV002700276.4), dbSNP rs2508329971, ClinGen allele CA2697557232.